The following is an entry in ClinVar:

ClinVar aggregate classification (germline): Uncertain significance (1 of 4 stars; one submission).

Conditions:
Developmental and epileptic encephalopathy, 30 (DEE30). Also called: Epileptic encephalopathy, early infantile, 30. Identifiers: MedGen C4225360, MONDO:0014595, OMIM 616341.

Submission:

Labcorp Genetics (formerly Invitae), Labcorp
Classification: Uncertain significance for Developmental and epileptic encephalopathy, 30. Last evaluated: 2024-11-06. Review status: criteria provided, single submitter. Criteria: Invitae Variant Classification Sherloc (09022015). Collection method: clinical testing. Allele origin: germline.
Comment: This sequence change replaces lysine, which is basic and polar, with arginine, which is basic and polar, at codon 592 of the SIK1 protein (p.Lys592Arg). This variant is not present in population databases (gnomAD no frequency). This variant has not been reported in the literature in individuals affected with SIK1-related conditions. Invitae Evidence Modeling of protein sequence and biophysical properties (such as structural, functional, and spatial information, amino acid conservation, physicochemical variation, residue mobility, and thermodynamic stability) indicates that this missense variant is not expected to disrupt SIK1 protein function with a negative predictive value of 95%. In summary, the available evidence is currently insufficient to determine the role of this variant in disease. Therefore, it has been classified as a Variant of Uncertain Significance.

NM_173354.5(SIK1):c.1775A>G (p.Lys592Arg)

Gene: SIK1 (salt inducible kinase 1; minus strand). Cytogenetic location: 21q22.3.
Variant type: single nucleotide variant.
Coding change: c.1775A>G on transcript NM_173354.5 (MANE Select); coding-DNA position 1775, A replaced by G.
Protein change: p.Lys592Arg; replaces lysine 592 with arginine.
Molecular consequence: missense variant.
Genome position (GRCh38, 1-based): chr21:43,417,744, T>C on the plus strand (A>G on the coding strand, the complement: SIK1 is on the minus strand). VCF-style: chr21-43417744-T-C. GRCh37 (hg19) VCF-style: chr21-44837624-T-C.
Other names: short protein forms K592R.
Identifiers: ClinVar variation 3709620 (VCV003709620.2).
Genomic context (GRCh38, chr21:43,417,744, plus strand): 5'-ACCTGGCGAGCCAGCCCCTTGATTTTGTTCAGTCCCAGAAACCCTTTGGTCCGCGTGGTC[T>C]TCCTCAGCTGCTGCCGAAAGGCCTTCAGCCCTGCAGGGAGAATGAATCAGGAGGTCAACG-3'
Protein context (NP_775490.2, residues 582-602): GLKAFRQQLR[Lys592Arg]TTRTKGFLGL